The following is an entry in ClinVar:

ClinVar aggregate classification (germline): Uncertain significance. Review status: criteria provided, multiple submitters, no conflicts (2 of 4 stars). 3 submissions from 3 submitters: Uncertain significance (3). Last evaluated 2026-05-19.

Conditions:
Inborn genetic diseases. Identifiers: MedGen C0950123, MeSH D030342.
TNFRSF11A-related disorder. Also called: TNFRSF11A-related condition.

gnomAD v4.1: 3 of 1,602,784 alleles (0.00019%); highest among the groups gnomAD compares: South Asian, 0.0011%; no homozygotes.

Submissions (3):

Ambry Genetics
Classification: Uncertain significance for Inborn genetic diseases. Last evaluated: 2026-05-19. Review status: criteria provided, single submitter. Criteria: Ambry Variant Classification Scheme 2023. Collection method: clinical testing. Allele origin: germline.

Labcorp Genetics (formerly Invitae), Labcorp
Classification: Uncertain significance. Last evaluated: 2025-11-09. Review status: criteria provided, single submitter. Criteria: Invitae Variant Classification Sherloc (09022015). Collection method: clinical testing. Allele origin: germline.
Comment: This sequence change replaces proline, which is neutral and non-polar, with serine, which is neutral and polar, at codon 142 of the TNFRSF11A protein (p.Pro142Ser). This variant is not present in population databases (gnomAD no frequency). This variant has not been reported in the literature in individuals affected with TNFRSF11A-related conditions. ClinVar contains an entry for this variant (Variation ID: 3654496). Invitae Evidence Modeling of protein sequence and biophysical properties (such as structural, functional, and spatial information, amino acid conservation, physicochemical variation, residue mobility, and thermodynamic stability) indicates that this missense variant is expected to disrupt TNFRSF11A protein function with a positive predictive value of 80%. In summary, the available evidence is currently insufficient to determine the role of this variant in disease. Therefore, it has been classified as a Variant of Uncertain Significance.

PreventionGenetics, part of Exact Sciences
Classification: Uncertain significance for TNFRSF11A-related condition. Last evaluated: 2025-07-31. Review status: criteria provided, single submitter. Criteria: ACMG Guidelines, 2015. Collection method: clinical testing. Allele origin: germline.
Comment: The TNFRSF11A c.424C>T variant is predicted to result in the amino acid substitution p.Pro142Ser. To our knowledge, this variant has not been reported in the literature or in a large population database (gnomAD), indicating this variant is rare. At this time, the clinical significance of this variant is uncertain due to the absence of conclusive functional and genetic evidence.

NM_003839.4(TNFRSF11A):c.424C>T (p.Pro142Ser)

Gene: TNFRSF11A (TNF receptor superfamily member 11a; plus strand). Cytogenetic location: 18q21.33.
Variant type: single nucleotide variant.
Coding change: c.424C>T on transcript NM_003839.4 (MANE Select); coding-DNA position 424, C replaced by T.
Protein change: p.Pro142Ser; replaces proline 142 with serine.
Molecular consequence: missense variant.
Genome position (GRCh38, 1-based): chr18:62,354,531, C>T. VCF-style: chr18-62354531-C-T. GRCh37 (hg19) VCF-style: chr18-60021764-C-T.
Other names: c.424C>T, p.Pro142Ser (NM_001270949.2, NM_001270950.2, NM_001270951.2 and 1 more transcripts); c.424C>T (NM_003839.3); short protein forms P142S.
Identifiers: ClinVar variation 3654496 (VCV003654496.4).